The following is an entry in ClinVar:

ClinVar aggregate classification (germline): Uncertain significance (1 of 4 stars; one submission).

Allele frequency attached by ClinVar (database versions not stated): gnomAD exomes below 0.00001.
gnomAD v4.1: 2 of 1,613,292 alleles (0.00012%); highest among the groups gnomAD compares: Middle Eastern, 0.033%; no homozygotes.

Submission:

Labcorp Genetics (formerly Invitae), Labcorp
Classification: Uncertain significance. Last evaluated: 2021-11-10. Review status: criteria provided, single submitter. Criteria: Invitae Variant Classification Sherloc (09022015). Collection method: clinical testing. Allele origin: germline.
Comment: This sequence change replaces serine, which is neutral and polar, with glycine, which is neutral and non-polar, at codon 519 of the RUSC2 protein (p.Ser519Gly). This variant is not present in population databases (gnomAD no frequency). This variant has not been reported in the literature in individuals affected with RUSC2-related conditions. Algorithms developed to predict the effect of missense changes on protein structure and function (SIFT, PolyPhen-2, Align-GVGD) all suggest that this variant is likely to be disruptive. In summary, the available evidence is currently insufficient to determine the role of this variant in disease. Therefore, it has been classified as a Variant of Uncertain Significance.

NM_014806.5(RUSC2):c.1555A>G (p.Ser519Gly)

Gene: RUSC2 (RUN and SH3 domain containing 2; plus strand). Cytogenetic location: 9p13.3.
Variant type: single nucleotide variant.
Coding change: c.1555A>G on transcript NM_014806.5 (MANE Select); coding-DNA position 1555, A replaced by G.
Protein change: p.Ser519Gly; replaces serine 519 with glycine.
Molecular consequence: missense variant. On other transcripts: non-coding transcript variant (1), intron variant (1).
Genome position (GRCh38, 1-based): chr9:35,548,076, A>G. VCF-style: chr9-35548076-A-G. GRCh37 (hg19) VCF-style: chr9-35548073-A-G.
Other names: c.1555A>G, p.Ser519Gly (NM_001135999.2); c.-620-6984A>G (NM_001330740.2); short protein forms S519G.
Identifiers: ClinVar variation 1424423 (VCV001424423.6), dbSNP rs2132554507, ClinGen allele CA373334034.
Genomic context (GRCh38, chr9:35,548,076, plus strand): 5'-TATGATCGCAGCCTGCAGCGCAGCCCTCCTGTCCGCCTGGGCTCGCTGGAACGTATGTTG[A>G]GTTGCCCAGTGCGCTTGAGTGAGGGCCCTGCAGCCATGGCCGGGCCTGGCTCCCCACCCA-3'
Protein context (NP_055621.2, residues 509-529): VRLGSLERML[Ser519Gly]CPVRLSEGPA